The following is an entry in ClinVar:

NM_001023570.4(IQCB1):c.178C>T (p.Gln60Ter)

Gene: IQCB1 (IQ motif containing B1; minus strand). Cytogenetic location: 3q13.33.
Variant type: single nucleotide variant.
Coding change: c.178C>T on transcript NM_001023570.4 (MANE Select); coding-DNA position 178, C replaced by T.
Protein change: p.Gln60Ter; replaces glutamine 60 with a stop codon.
Molecular consequence: nonsense. On other transcripts: non-coding transcript variant (1).
Genome position (GRCh38, 1-based): chr3:121,828,555, G>A on the plus strand (C>T on the coding strand, the complement: IQCB1 is on the minus strand). VCF-style: chr3-121828555-G-A. GRCh37 (hg19) VCF-style: chr3-121547402-G-A.
Other names: c.178C>T, p.Gln60Ter (NM_001023571.4, NM_001319107.2); short protein forms Q60*.
Identifiers: ClinVar variation 1452622 (VCV001452622.7), dbSNP rs776023179, ClinGen allele CA2567500.

ClinVar aggregate classification (germline): Pathogenic (1 of 4 stars; one submission).

Conditions:
Nephronophthisis. Also called: Juvenile Nephronophthisis. Identifiers: Orphanet 655, MedGen C0687120, MONDO:0019005, HP:0000090.

Allele frequency attached by ClinVar (database versions not stated): gnomAD exomes below 0.00001; ExAC 0.00001.
gnomAD v4.1: 5 of 1,607,214 alleles (0.00031%); highest among the groups gnomAD compares: Non-Finnish European, 0.00043%; no homozygotes.

Submission:

Labcorp Genetics (formerly Invitae), Labcorp
Classification: Pathogenic for Nephronophthisis. Last evaluated: 2024-02-24. Review status: criteria provided, single submitter. Criteria: Invitae Variant Classification Sherloc (09022015). Collection method: clinical testing. Allele origin: germline.
Comment: This sequence change creates a premature translational stop signal (p.Gln60*) in the IQCB1 gene. It is expected to result in an absent or disrupted protein product. Loss-of-function variants in IQCB1 are known to be pathogenic (PMID: 15723066, 21901789, 23559409, 28041643). This variant is present in population databases (rs776023179, gnomAD 0.0009%). This variant has not been reported in the literature in individuals affected with IQCB1-related conditions. ClinVar contains an entry for this variant (Variation ID: 1452622). Algorithms developed to predict the effect of sequence changes on RNA splicing suggest that this variant may disrupt the consensus splice site. For these reasons, this variant has been classified as Pathogenic.

Literature cited by the submitters: PubMed 15723066; PubMed 21901789; PubMed 23559409; PubMed 28041643.